The following is an entry in ClinVar:

ClinVar aggregate classification (germline): Uncertain significance. Review status: criteria provided, single submitter (1 of 4 stars). 2 submissions from 1 submitter: Uncertain significance (2). Last evaluated 2023-07-08.

Conditions:
Juvenile polyposis syndrome (JPS). Identifiers: Orphanet 2929, MedGen C0345893, MONDO:0017380, OMIM 174900.
Generalized juvenile polyposis/juvenile polyposis coli. Also called: Juvenile polyposis coli. Identifiers: Orphanet 329971, MedGen C1868081, MONDO:0008276.

Submissions (2):

Labcorp Genetics (formerly Invitae), Labcorp
Classification: Uncertain significance for Juvenile polyposis syndrome. Last evaluated: 2023-07-08. Review status: criteria provided, single submitter. Criteria: Invitae Variant Classification Sherloc (09022015). Collection method: clinical testing. Allele origin: germline.
Comment: This variant is a copy number gain that occurs in a non-coding region of the BMPR1A gene. It does not change the encoded amino acid sequence of the BMPR1A protein. This variant has not been reported in the literature in individuals affected with BMPR1A-related conditions. Experimental studies and prediction algorithms are not available or were not evaluated, and the functional significance of this variant is currently unknown. In summary, the available evidence is currently insufficient to determine the role of this variant in disease. Therefore, it has been classified as a Variant of Uncertain Significance.

Labcorp Genetics (formerly Invitae), Labcorp
Classification: Uncertain significance for Juvenile polyposis syndrome. Last evaluated: 2019-12-17. Review status: criteria provided, single submitter. Criteria: Invitae Variant Classification Sherloc (09022015). Collection method: clinical testing. Allele origin: germline.
Comment: This variant results in a copy number gain of the genomic region encompassing the promoter region of the BMPR1A gene. The 5' end of this event is unknown as it extends beyond the assayed region for this gene and therefore may encompass additional genes. The 3' boundary is likely confined to intron 1 of the BMPR1A gene. As the precise location of this event is unknown, it may be in tandem or it may be located elsewhere in the genome. This variant has not been reported in the literature in individuals with BMPR1A-related conditions. Experimental studies and prediction algorithms are not available or were not evaluated, and the functional significance of this variant is currently unknown. In summary, the available evidence is currently insufficient to determine the role of this variant in disease. Therefore, it has been classified as a Variant of Uncertain Significance.

NC_000010.11:g.(?_86755016)_(86756919_?)dup

Gene: BMPR1A (bone morphogenetic protein receptor type 1A; plus strand). Cytogenetic location: 10q23.2.
Variant type: Duplication.
Identifiers: ClinVar variation 1011071 (VCV001011071.7).